The following is an entry in ClinVar:

ClinVar aggregate classification (germline): Uncertain significance (0 of 4 stars; one submission).

Conditions:
SHH-related disorder. Also called: SHH-related condition; SHH-related disorders.

gnomAD v4.1: 2 of 471,392 alleles (0.00042%); highest among the groups gnomAD compares: Non-Finnish European, 0.00044%; no homozygotes.

Submission:

PreventionGenetics, part of Exact Sciences
Classification: Uncertain significance for SHH-related condition. Last evaluated: 2024-06-22. Review status: no assertion criteria provided. Collection method: clinical testing. Allele origin: germline.
Comment: The SHH c.392C>T variant is predicted to result in the amino acid substitution p.Ser131Leu. To our knowledge, this variant has not been reported in the literature or in a large population database, indicating this variant is rare. At this time, the clinical significance of this variant is uncertain due to the absence of conclusive functional and genetic evidence.

NM_000193.4(SHH):c.*2745C>T

Gene: SHH (sonic hedgehog signaling molecule; minus strand). Cytogenetic location: 7q36.3.
Variant type: single nucleotide variant.
Coding change: c.*2745C>T on transcript NM_000193.4 (MANE Select); 2745 bases downstream of the stop codon, C replaced by T.
Molecular consequence: 3 prime UTR variant. On other transcripts: missense variant (1), non-coding transcript variant (2).
Genome position (GRCh38, 1-based): chr7:155,800,155, G>A on the plus strand (C>T on the coding strand, the complement: SHH is on the minus strand). VCF-style: chr7-155800155-G-A. GRCh37 (hg19) VCF-style: chr7-155592849-G-A.
Other names: c.392C>T, p.Ser131Leu (NM_001310462.2); short protein forms S131L.
Identifiers: ClinVar variation 3344217 (VCV003344217.1).